The following is an entry in ClinVar:

NM_006231.4(POLE):c.4549A>C (p.Thr1517Pro)

Gene: POLE (DNA polymerase epsilon, catalytic subunit; minus strand). Cytogenetic location: 12q24.33.
Variant type: single nucleotide variant.
Coding change: c.4549A>C on transcript NM_006231.4 (MANE Select); coding-DNA position 4549, A replaced by C.
Protein change: p.Thr1517Pro; replaces threonine 1517 with proline.
Molecular consequence: missense variant.
Genome position (GRCh38, 1-based): chr12:132,643,226, T>G on the plus strand (A>C on the coding strand, the complement: POLE is on the minus strand). VCF-style: chr12-132643226-T-G. GRCh37 (hg19) VCF-style: chr12-133219812-T-G.
Other names: c.4549A>C (NM_006231.2); short protein forms T1517P.
Identifiers: ClinVar variation 1176973 (VCV001176973.41), dbSNP rs1161811592, ClinGen allele CA387380269.
Genomic context (GRCh38, chr12:132,643,226, plus strand): 5'-CCTCCTTCCCCAAACCCTGCCCCAGCCAATGTGCTGCCATGGAGGGCCCAGGACTCACAG[T>G]GTCCAGCACAAAGACGGATGCCCTGCGCTGTGAGGGGATGAAGATCCCGAAGAGCGCTTT-3'
Protein context (NP_006222.2, residues 1507-1527): QRRASVFVLD[Thr1517Pro]VRSNQMPSLG

ClinVar aggregate classification (germline): Uncertain significance. Review status: criteria provided, multiple submitters, no conflicts (2 of 4 stars). 3 submissions from 3 submitters: Uncertain significance (3). Last evaluated 2025-11-05.

Conditions:
Hereditary cancer-predisposing syndrome. Also called: Hereditary neoplastic syndrome; Hereditary Cancer Syndrome; Neoplastic Syndromes, Hereditary; Tumor predisposition. Identifiers: Orphanet 140162, MedGen C0027672, MeSH D009386, MONDO:0015356.

Allele frequency attached by ClinVar (database versions not stated): gnomAD exomes below 0.00001.
gnomAD v4.1: 2 of 1,612,494 alleles (0.00012%); highest among the groups gnomAD compares: Non-Finnish European, 0.00017%; no homozygotes.

Submissions (3):

Labcorp Genetics (formerly Invitae), Labcorp
Classification: Uncertain significance. Last evaluated: 2025-11-05. Review status: criteria provided, single submitter. Criteria: Invitae Variant Classification Sherloc (09022015). Collection method: clinical testing. Allele origin: germline.
Comment: This sequence change replaces threonine, which is neutral and polar, with proline, which is neutral and non-polar, at codon 1517 of the POLE protein (p.Thr1517Pro). This variant is present in population databases (no rsID available, gnomAD 0.0009%). This variant has not been reported in the literature in individuals affected with POLE-related conditions. ClinVar contains an entry for this variant (Variation ID: 1176973). An algorithm developed to predict the effect of missense changes on protein structure and function (PolyPhen-2) suggests that this variant is likely to be tolerated. In summary, the available evidence is currently insufficient to determine the role of this variant in disease. Therefore, it has been classified as a Variant of Uncertain Significance.

Ambry Genetics
Classification: Uncertain significance for Hereditary cancer-predisposing syndrome. Last evaluated: 2024-12-25. Review status: criteria provided, single submitter. Criteria: Ambry Variant Classification Scheme 2023. Collection method: clinical testing. Allele origin: germline.
Comment: The p.T1517P variant (also known as c.4549A>C), located in coding exon 35 of the POLE gene, results from an A to C substitution at nucleotide position 4549. The threonine at codon 1517 is replaced by proline, an amino acid with highly similar properties. This amino acid position is conserved. In addition, the in silico prediction for this alteration is inconclusive. Based on the available evidence, the clinical significance of this variant remains unclear.

CeGaT Center for Human Genetics Tuebingen
Classification: Uncertain significance. Last evaluated: 2021-03-01. Review status: criteria provided, single submitter. Criteria: CeGaT Center For Human Genetics Tuebingen Variant Classification Criteria Version 2. Collection method: clinical testing. Allele origin: germline. Affected: yes. Observed: 1 variant allele.